The following is an entry in ClinVar:

ClinVar aggregate classification (germline): Uncertain significance (1 of 4 stars; one submission).

Submission:

Labcorp Genetics (formerly Invitae), Labcorp
Classification: Uncertain significance. Last evaluated: 2021-11-03. Review status: criteria provided, single submitter. Criteria: Invitae Variant Classification Sherloc (09022015). Collection method: clinical testing. Allele origin: germline.
Comment: Algorithms developed to predict the effect of missense changes on protein structure and function (SIFT, PolyPhen-2, Align-GVGD) all suggest that this variant is likely to be disruptive. In summary, the available evidence is currently insufficient to determine the role of this variant in disease. Therefore, it has been classified as a Variant of Uncertain Significance. This variant has not been reported in the literature in individuals affected with TFRC-related conditions. This sequence change replaces glycine, which is neutral and non-polar, with glutamic acid, which is acidic and polar, at codon 441 of the TFRC protein (p.Gly441Glu). This variant is not present in population databases (gnomAD no frequency).

NM_001128148.3(TFRC):c.1322G>A (p.Gly441Glu)

Gene: TFRC (transferrin receptor; minus strand). Cytogenetic location: 3q29.
Variant type: single nucleotide variant.
Coding change: c.1322G>A on transcript NM_001128148.3 (MANE Select); coding-DNA position 1322, G replaced by A.
Protein change: p.Gly441Glu; replaces glycine 441 with glutamic acid.
Molecular consequence: missense variant.
Genome position (GRCh38, 1-based): chr3:196,062,936, C>T on the plus strand (G>A on the coding strand, the complement: TFRC is on the minus strand). VCF-style: chr3-196062936-C-T. GRCh37 (hg19) VCF-style: chr3-195789807-C-T.
Other names: c.1079G>A, p.Gly360Glu (NM_001313965.2); c.476G>A, p.Gly159Glu (NM_001313966.2); c.1322G>A, p.Gly441Glu (NM_003234.4); short protein forms G441E, G360E, G159E.
Identifiers: ClinVar variation 1390984 (VCV001390984.6), dbSNP rs372685302, ClinGen allele CA355570722.